The following is an entry in ClinVar:

NM_001292063.2(OTOG):c.6523C>T (p.Arg2175Ter)

Gene: OTOG (otogelin; plus strand). Cytogenetic location: 11p15.1.
Variant type: single nucleotide variant.
Coding change: c.6523C>T on transcript NM_001292063.2 (MANE Select); coding-DNA position 6523, C replaced by T.
Protein change: p.Arg2175Ter; replaces arginine 2175 with a stop codon.
Molecular consequence: nonsense.
Genome position (GRCh38, 1-based): chr11:17,613,696, C>T. VCF-style: chr11-17613696-C-T. GRCh37 (hg19) VCF-style: chr11-17635243-C-T.
Other names: c.6559C>T, p.Arg2187Ter (NM_001277269.2); short protein forms R2187*, R2175*.
Identifiers: ClinVar variation 39819 (VCV000039819.35), dbSNP rs397514608, ClinGen allele CA130588.

ClinVar aggregate classification (germline): Pathogenic/Likely pathogenic. Review status: criteria provided, multiple submitters, no conflicts (2 of 4 stars). 9 submissions from 9 submitters: Pathogenic (6); Likely pathogenic (2). 1 of the submissions does not count toward it. Last evaluated 2026-05-14.

Conditions:
OTOG-related disorder. Also called: OTOG-related condition.
Autosomal recessive nonsyndromic hearing loss 18B. Also called: Deafness, autosomal recessive 18b. Identifiers: Orphanet 90636, MedGen C3554163, MONDO:0013985, OMIM 614945.

Allele frequency attached by ClinVar (database versions not stated): TOPMed 0.00002; gnomAD exomes 0.00005; gnomAD 0.00002 and 0.00001.
gnomAD v4.1: 30 of 1,550,100 alleles (0.0019%); highest among the groups gnomAD compares: Admixed American, 0.012%; no homozygotes.

Submissions (9):

PreventionGenetics, part of Exact Sciences
Classification: Pathogenic for OTOG-related condition. Last evaluated: 2026-05-14. Review status: criteria provided, single submitter. Criteria: ACMG Guidelines, 2015. Collection method: clinical testing. Allele origin: germline.
Comment: The OTOG c.6559C>T variant is predicted to result in premature protein termination (p.Arg2187*). This variant was reported in the compound heterozygous state in multiple individuals with nonsyndromic hearing loss (Schraders et al. 2012. PubMed ID: 23122587; Oonk et al. 2014. PubMed ID: 24378291; Peart et al. 2023. PubMed ID: 37996878). This variant is reported in 0.013% of alleles in individuals of South Asian descent in gnomAD. Nonsense variants in OTOG are expected to be pathogenic. This variant is interpreted as pathogenic.

Variantyx, Inc.
Classification: Pathogenic for Autosomal recessive nonsyndromic hearing loss 18B. Last evaluated: 2025-09-29. Review status: criteria provided, single submitter. Criteria: Variantyx Assertion Criteria 2022. Collection method: clinical testing. Allele origin: germline. Inheritance: Autosomal recessive inheritance. Affected: yes.
Comment: This is a nonsense variant in the OTOG gene (OMIM: 604487). Pathogenic variants in this gene have been associated with autosomal recessive deafness 18B. This variant introduces a premature termination codon in exon 39 out of 56 and is expected to result in loss of function, which is a known disease mechanism for OTOG in this disorder (PVS1) (PMID:23122587). The alteration has been observed to segregate with disease in at least two individuals from one family (PMID: 23122587, 24378291) (PP1). This variant has a 0.0118% maximum allele frequency in non-founder control populations (PM2). Based on the current evidence, this variant is classified as pathogenic for autosomal recessive deafness 18B.

GeneDx
Classification: Pathogenic. Last evaluated: 2025-03-06. Review status: criteria provided, single submitter. Criteria: GeneDx Variant Classification Process June 2021. Collection method: clinical testing. Allele origin: germline. Affected: yes.
Comment: Nonsense variant predicted to result in protein truncation or nonsense mediated decay in a gene for which loss of function is a known mechanism of disease; This variant is associated with the following publications: (PMID: 29800624, 23122587, 24378291, 36360160, 37996878)

Department of Human Genetics, Hannover Medical School
Classification: Likely pathogenic for Autosomal recessive nonsyndromic hearing loss 18B. Last evaluated: 2024-12-10. Review status: criteria provided, single submitter. Criteria: ACMG Guidelines, 2015. Collection method: clinical testing. Allele origin: germline. Affected: yes.

Labcorp Genetics (formerly Invitae), Labcorp
Classification: Pathogenic. Last evaluated: 2023-07-31. Review status: criteria provided, single submitter. Criteria: Invitae Variant Classification Sherloc (09022015). Collection method: clinical testing. Allele origin: germline.
Comment: ClinVar contains an entry for this variant (Variation ID: 39819). For these reasons, this variant has been classified as Pathogenic. This premature translational stop signal has been observed in individual(s) with clinical features of OTOG-related conditions (PMID: 23122587, 24378291). This variant is present in population databases (rs397514608, gnomAD 0.01%). This sequence change creates a premature translational stop signal (p.Arg2187*) in the OTOG gene. It is expected to result in an absent or disrupted protein product. Loss-of-function variants in OTOG are known to be pathogenic (PMID: 23122587).

CeGaT Center for Human Genetics Tuebingen
Classification: Pathogenic. Last evaluated: 2023-04-01. Review status: criteria provided, single submitter. Criteria: CeGaT Center For Human Genetics Tuebingen Variant Classification Criteria Version 2. Collection method: clinical testing. Allele origin: germline. Affected: yes. Observed: 1 variant allele.
Comment: OTOG: PVS1, PM3, PM2:Supporting

Blueprint Genetics
Classification: Likely pathogenic for OTOG-related disorders. Last evaluated: 2020-03-11. Review status: criteria provided, single submitter. Criteria: ACMG Guidelines, 2015. Collection method: clinical testing. Allele origin: germline. Affected: yes. Observed: 2 variant alleles.

Juno Genomics, Hangzhou Juno Genomics, Inc
Classification: Pathogenic for Autosomal recessive nonsyndromic hearing loss 18B. Review status: criteria provided, single submitter. Criteria: ACMG Guidelines, 2015. Collection method: clinical testing. Allele origin: germline.
Comment: Absent from controls (or at extremely low frequency if recessive) in Genome Aggregation Database.;Null variant in a gene where loss of function (LOF) is a known mechanism of disease.;For recessive disorders, detected in trans with a pathogenic variant.

OMIM
Classification: Pathogenic for DEAFNESS, AUTOSOMAL RECESSIVE 18B. Last evaluated: 2012-11-02. Review status: no assertion criteria provided. Collection method: literature only. Allele origin: germline. Not counted in ClinVar's aggregate classification.

Literature cited by the submitters: PubMed 23122587 (cited by 3 submitters); PubMed 24378291 (cited by Variantyx, Inc. and Labcorp Genetics (formerly Invitae), Labcorp).